The following is an entry in ClinVar:

NM_000019.4(ACAT1):c.940+2T>C

Gene: ACAT1 (acetyl-CoA acetyltransferase 1; plus strand). Cytogenetic location: 11q22.3.
Variant type: single nucleotide variant.
Coding change: c.940+2T>C on transcript NM_000019.4 (MANE Select); the canonical splice donor site of the intron after coding-DNA position 940, T replaced by C.
Molecular consequence: splice donor variant.
Genome position (GRCh38, 1-based): chr11:108,142,552, T>C. VCF-style: chr11-108142552-T-C. GRCh37 (hg19) VCF-style: chr11-108013279-T-C.
Other names: c.670+2T>C (NM_001386682.1, NM_001386681.1, NM_001386685.1 and 6 more transcripts); c.940+2T>C (NM_001386677.1); c.643+2T>C (NM_001386679.1); c.625+2T>C (NM_001386678.1).
Identifiers: ClinVar variation 840792 (VCV000840792.10), dbSNP rs963023006, ClinGen allele CA228356594.

ClinVar aggregate classification (germline): Likely pathogenic. Review status: criteria provided, multiple submitters, no conflicts (2 of 4 stars). 2 submissions from 2 submitters: Likely pathogenic (2). Last evaluated 2025-01-21.

Conditions:
Deficiency of acetyl-CoA acetyltransferase. Also called: Beta-ketothiolase deficiency; MITOCHONDRIAL ACETOACETYL-CoA THIOLASE DEFICIENCY; 3-KETOTHIOLASE DEFICIENCY; 3-OXOTHIOLASE DEFICIENCY. Identifiers: Orphanet 134, MedGen C1536500, MONDO:0008760, OMIM 203750. Disease mechanism: loss of function.

Submissions (2):

Natera, Inc.
Classification: Likely pathogenic for Alpha-methylacetoacetic aciduria. Last evaluated: 2025-01-21. Review status: criteria provided, single submitter. Criteria: Natera Variant Classification Schema (03/2026). Collection method: clinical testing. Allele origin: germline.
Comment: The c.940+2T>C variant in ACAT1 is a canonical splice donor site variant predicted to affect pre-mRNA splicing, which may result in an abnormal transcript and altered protein product. This variant is expected to result in nonsense mediated decay, truncation, or a dysfunctional protein product. This variant is rare in the general population with a frequency below the threshold expected for the associated phenotype(s). Given the available evidence, this variant is classified as Likely Pathogenic.

Labcorp Genetics (formerly Invitae), Labcorp
Classification: Likely pathogenic for Deficiency of acetyl-CoA acetyltransferase. Last evaluated: 2020-10-01. Review status: criteria provided, single submitter. Criteria: Invitae Variant Classification Sherloc (09022015). Collection method: clinical testing. Allele origin: germline.
Comment: This sequence change affects a donor splice site in intron 9 of the ACAT1 gene. It is expected to disrupt RNA splicing and likely results in an absent or disrupted protein product. This variant is not present in population databases (ExAC no frequency). This variant has not been reported in the literature in individuals with ACAT1-related conditions. Algorithms developed to predict the effect of sequence changes on RNA splicing suggest that this variant may disrupt the consensus splice site, but this prediction has not been confirmed by published transcriptional studies. Donor and acceptor splice site variants typically lead to a loss of protein function (PMID: 16199547), and loss-of-function variants in ACAT1 are known to be pathogenic (PMID: 7749408). In summary, the currently available evidence indicates that the variant is pathogenic, but additional data are needed to prove that conclusively. Therefore, this variant has been classified as Likely Pathogenic.

Literature cited by the submitters: PubMed 16199547 (cited by Labcorp Genetics (formerly Invitae), Labcorp); PubMed 7749408 (cited by Labcorp Genetics (formerly Invitae), Labcorp).